The following is an entry in ClinVar:

ClinVar aggregate classification (germline): Pathogenic (1 of 4 stars; one submission).

Conditions:
Peroxisome biogenesis disorder. Identifiers: Orphanet 79189, MedGen C1832200, MONDO:0019234. Disease mechanism: loss of function.

Submission:

Labcorp Genetics (formerly Invitae), Labcorp
Classification: Pathogenic for Peroxisome biogenesis disorder. Last evaluated: 2023-11-01. Review status: criteria provided, single submitter. Criteria: Invitae Variant Classification Sherloc (09022015). Collection method: clinical testing. Allele origin: germline.
Comment: This sequence change creates a premature translational stop signal (p.Ser252*) in the PEX6 gene. It is expected to result in an absent or disrupted protein product. Loss-of-function variants in PEX6 are known to be pathogenic (PMID: 10408779, 21031596, 31831025). This variant is not present in population databases (gnomAD no frequency). This variant has not been reported in the literature in individuals affected with PEX6-related conditions. For these reasons, this variant has been classified as Pathogenic.

Literature cited by the submitters: PubMed 10408779; PubMed 21031596; PubMed 31831025.

NM_000287.4(PEX6):c.755_756del (p.Leu251_Ser252insTer)

Gene: PEX6 (peroxisomal biogenesis factor 6; minus strand). Cytogenetic location: 6p21.1.
Variant type: Microsatellite.
Coding change: c.755_756del on transcript NM_000287.4 (MANE Select); coding-DNA positions 755 to 756, 2 bases deleted (CT; older notation c.755_756delCT).
Protein change: p.Leu251_Ser252insTer.
Molecular consequence: nonsense. On other transcripts: non-coding transcript variant (1), intron variant (1).
Genome position (GRCh38, 1-based): chr6:42,978,395-42,978,396, AG deleted on the plus strand (CT on the coding strand, the reverse complement: PEX6 is on the minus strand); deleting any 2 consecutive bases within chr6:42,978,395-42,978,400 gives the same sequence; the c. name uses the placement nearest the transcript's 3' end. VCF-style (leftmost placement, unchanged base first): chr6-42978394-CAG-C. GRCh37 (hg19) VCF-style: chr6-42946132-CAG-C.
Other names: c.618+133CT[2] (NM_001316313.2).
Identifiers: ClinVar variation 2773210 (VCV002773210.3), dbSNP rs2481276205, ClinGen allele CA2697553398.